The following is an entry in ClinVar:

NM_004655.4(AXIN2):c.309A>G (p.Lys103=)

Gene: AXIN2 (axin 2; minus strand). Cytogenetic location: 17q24.1.
Variant type: single nucleotide variant.
Coding change: c.309A>G on transcript NM_004655.4 (MANE Select); coding-DNA position 309, A replaced by G.
Protein change: p.Lys103=; no amino-acid change (lysine 103 retained).
Molecular consequence: synonymous variant.
Genome position (GRCh38, 1-based): chr17:65,558,312, T>C on the plus strand (A>G on the coding strand, the complement: AXIN2 is on the minus strand). VCF-style: chr17-65558312-T-C. GRCh37 (hg19) VCF-style: chr17-63554430-T-C.
Other names: c.309A>G, p.Lys103= (NM_001363813.1).
Identifiers: ClinVar variation 1727551 (VCV001727551.8), dbSNP rs2144588238, ClinGen allele CA501691930.

ClinVar aggregate classification (germline): Benign/Likely benign. Review status: criteria provided, multiple submitters, no conflicts (2 of 4 stars). 3 submissions from 3 submitters: Benign (1); Likely benign (2). Last evaluated 2024-06-26.

Conditions:
Hereditary cancer-predisposing syndrome. Also called: Tumor predisposition; Neoplastic Syndromes, Hereditary; Hereditary Cancer Syndrome; Hereditary neoplastic syndrome. Identifiers: Orphanet 140162, MedGen C0027672, MeSH D009386, MONDO:0015356.
Oligodontia-cancer predisposition syndrome. Also called: TOOTH AGENESIS-COLORECTAL CANCER SYNDROME. Identifiers: Orphanet 300576, MedGen C1837750, MONDO:0012075, OMIM 608615. Disease mechanism: loss of function.

Submissions (3):

Myriad Genetics, Inc.
Classification: Benign for Oligodontia-cancer predisposition syndrome. Last evaluated: 2024-06-26. Review status: criteria provided, single submitter. Criteria: Myriad Autosomal Dominant, Autosomal Recessive and X-Linked Classification Criteria (2023). Collection method: clinical testing. Allele origin: unknown.
Comment: This variant is considered benign. This variant is a silent/synonymous amino acid change and it is not expected to impact splicing.

Labcorp Genetics (formerly Invitae), Labcorp
Classification: Likely benign for Oligodontia-cancer predisposition syndrome. Last evaluated: 2022-06-09. Review status: criteria provided, single submitter. Criteria: Invitae Variant Classification Sherloc (09022015). Collection method: clinical testing. Allele origin: germline.

Ambry Genetics
Classification: Likely benign for Hereditary cancer-predisposing syndrome. Last evaluated: 2020-09-28. Review status: criteria provided, single submitter. Criteria: Ambry Variant Classification Scheme 2023. Collection method: clinical testing. Allele origin: germline.